The following is an entry in ClinVar:

NM_000143.4(FH):c.288del (p.Phe96fs)

Gene: FH (fumarate hydratase; minus strand). Cytogenetic location: 1q43.
Variant type: Deletion.
Coding change: c.288del on transcript NM_000143.4 (MANE Select); coding-DNA position 288, one base deleted (T; older notation c.288delT).
Protein change: p.Phe96fs; shifts the reading frame from phenylalanine 96.
Molecular consequence: frameshift variant.
Genome position (GRCh38, 1-based): chr1:241,513,693, A deleted on the plus strand (T on the coding strand, the reverse complement: FH is on the minus strand); the first of 4 consecutive A bases (chr1:241,513,693-241,513,696); deleting any one gives the same sequence. VCF-style (leftmost placement, unchanged base first): chr1-241513692-CA-C. GRCh37 (hg19) VCF-style: chr1-241676992-CA-C.
Other names: short protein forms F96fs.
Identifiers: ClinVar variation 1398727 (VCV001398727.6), dbSNP rs2147923081, ClinGen allele CA2573132913.

ClinVar aggregate classification (germline): Pathogenic (1 of 4 stars; one submission).

Submission:

Labcorp Genetics (formerly Invitae), Labcorp
Classification: Pathogenic. Last evaluated: 2020-10-09. Review status: criteria provided, single submitter. Criteria: Invitae Variant Classification Sherloc (09022015). Collection method: clinical testing. Allele origin: germline.
Comment: This variant is not present in population databases (ExAC no frequency). For these reasons, this variant has been classified as Pathogenic. This variant has not been reported in the literature in individuals with FH-related conditions. This sequence change creates a premature translational stop signal (p.Phe96Leufs*4) in the FH gene. It is expected to result in an absent or disrupted protein product. Loss-of-function variants in FH are known to be pathogenic (PMID: 11865300, 21398687).

Literature cited by the submitters: PubMed 11865300; PubMed 21398687.